The following is an entry in ClinVar:

NM_001365951.3(KIF1B):c.215G>C (p.Arg72Pro)

Gene: KIF1B (kinesin family member 1B; plus strand). Cytogenetic location: 1p36.22.
Variant type: single nucleotide variant.
Coding change: c.215G>C on transcript NM_001365951.3 (MANE Select); coding-DNA position 215, G replaced by C.
Protein change: p.Arg72Pro; replaces arginine 72 with proline.
Molecular consequence: missense variant.
Genome position (GRCh38, 1-based): chr1:10,258,524, G>C. VCF-style: chr1-10258524-G-C. GRCh37 (hg19) VCF-style: chr1-10318582-G-C.
Other names: c.215G>C, p.Arg72Pro (NM_001365952.1, NM_001365953.1, NM_015074.3 and 1 more transcripts); short protein forms R72P.
Identifiers: ClinVar variation 5023219 (VCV005023219.1).
Genomic context (GRCh38, chr1:10,258,524, plus strand): 5'-TTATTTATTTCTCCTTTTACTCTTTACAGCCCGAAGATCCCTGTTTTGCATCTCAAAACC[G>C]TGTGTACAATGACATTGGCAAGGAAATGCTCTTACACGCCTTTGAGGGATATAATGTCTG-3'
Protein context (NP_001352880.1, residues 62-82): PEDPCFASQN[Arg72Pro]VYNDIGKEML

ClinVar aggregate classification (germline): Uncertain significance (1 of 4 stars; one submission).

Submission:

Ambry Genetics
Classification: Uncertain significance. Last evaluated: 2026-08-12. Review status: criteria provided, single submitter. Criteria: Ambry Variant Classification Scheme 2023. Collection method: clinical testing. Allele origin: germline.
Comment: The p.R72P variant (also known as c.215G>C), located in coding exon 3 of the KIF1B gene, results from a G to C substitution at nucleotide position 215. The arginine at codon 72 is replaced by proline, an amino acid with dissimilar properties. This amino acid position is conserved. In addition, this alteration is predicted to be deleterious by in silico analysis. Based on the available evidence, the clinical significance of this variant remains unclear.